The following is an entry in ClinVar:

ClinVar aggregate classification (germline): Conflicting classifications of pathogenicity. Review status: criteria provided, conflicting classifications (1 of 4 stars). 4 submissions from 4 submitters: Uncertain significance (1); Likely benign (3). Last evaluated 2026-07-01.

Conditions:
Acrocallosal syndrome (ACLS). Also called: HALLUX DUPLICATION, POSTAXIAL POLYDACTYLY, AND ABSENCE OF CORPUS CALLOSUM; Schinzel syndrome 1; Absence of corpus callosum with unusual facial appearance, mental deficiency, duplication of the halluces and polydactyly. Identifiers: Orphanet 36, MedGen C0796147, MONDO:0008708, OMIM 200990.

Allele frequency attached by ClinVar (database versions not stated): ExAC 0.00018; gnomAD exomes 0.00019; TOPMed 0.00020; gnomAD 0.00030 and 0.00031; ESP Exome Variant Server 0.00054.
gnomAD v4.1: 391 of 1,604,478 alleles (0.024%); highest among the groups gnomAD compares: Non-Finnish European, 0.027%; no homozygotes.

Submissions (4):

CeGaT Center for Human Genetics Tuebingen
Classification: Likely benign. Last evaluated: 2026-07-01. Review status: criteria provided, single submitter. Criteria: CeGaT Center For Human Genetics Tuebingen Variant Classification Criteria Version 2. Collection method: clinical testing. Allele origin: germline. Affected: yes. Observed: 3 variant alleles.
Comment: KIF7: BP4, BP7

Labcorp Genetics (formerly Invitae), Labcorp
Classification: Likely benign for Acrocallosal syndrome. Last evaluated: 2025-12-15. Review status: criteria provided, single submitter. Criteria: Invitae Variant Classification Sherloc (09022015). Collection method: clinical testing. Allele origin: germline.

Blueprint Genetics
Classification: Likely benign. Last evaluated: 2024-10-18. Review status: criteria provided, single submitter. Criteria: ACMG Guidelines, 2015. Collection method: clinical testing. Allele origin: germline.

Illumina Laboratory Services, Illumina
Classification: Uncertain significance for Acrocallosal syndrome. Last evaluated: 2018-01-12. Review status: criteria provided, single submitter. Criteria: ICSL Variant Classification Criteria 13 December 2019. Collection method: clinical testing. Allele origin: germline.

NM_198525.3(KIF7):c.2049G>A (p.Gly683=)

Gene: KIF7 (kinesin family member 7; minus strand). Cytogenetic location: 15q26.1.
Variant type: single nucleotide variant.
Coding change: c.2049G>A on transcript NM_198525.3 (MANE Select); coding-DNA position 2049, G replaced by A.
Protein change: p.Gly683=; no amino-acid change (glycine 683 retained).
Molecular consequence: synonymous variant.
Genome position (GRCh38, 1-based): chr15:89,645,155, C>T on the plus strand (G>A on the coding strand, the complement: KIF7 is on the minus strand). VCF-style: chr15-89645155-C-T. GRCh37 (hg19) VCF-style: chr15-90188386-C-T.
Identifiers: ClinVar variation 888481 (VCV000888481.34), dbSNP rs141856439, ClinGen allele CA7728349.